The following is an entry in ClinVar:

NM_005198.5(CHKB):c.678G>C (p.Arg226Ser)

Genes: CHKB (choline kinase beta; minus strand), CHKB-CPT1B (CHKB-CPT1B readthrough (NMD candidate); minus strand). Cytogenetic location: 22q13.33.
Variant type: single nucleotide variant.
Coding change: c.678G>C on transcript NM_005198.5 (MANE Select); coding-DNA position 678, G replaced by C.
Protein change: p.Arg226Ser; replaces arginine 226 with serine.
Molecular consequence: missense variant. On other transcripts: non-coding transcript variant (1).
Genome position (GRCh38, 1-based): chr22:50,580,416, C>G on the plus strand (G>C on the coding strand, the complement: CHKB is on the minus strand). VCF-style: chr22-50580416-C-G. GRCh37 (hg19) VCF-style: chr22-51018845-C-G.
Other names: short protein forms R226S.
Identifiers: ClinVar variation 1306904 (VCV001306904.2), dbSNP rs2070663688, ClinGen allele CA412199273.

ClinVar aggregate classification (germline): Uncertain significance (1 of 4 stars; one submission).

Submission:

GeneDx
Classification: Uncertain significance. Last evaluated: 2019-07-08. Review status: criteria provided, single submitter. Criteria: GeneDx Variant Classification Process June 2021. Collection method: clinical testing. Allele origin: germline. Affected: yes.
Comment: Not observed in large population cohorts (Lek et al., 2016); In silico analysis, which includes protein predictors and evolutionary conservation, supports a deleterious effect. In addition, in silico splice predictors suggest this variant may lead to abnormal gene splicing. In the absence of RNA/functional studies, the actual effect of this sequence change is unknown; Has not been previously published as pathogenic or benign to our knowledge